The following is an entry in ClinVar:

ClinVar aggregate classification (germline): Pathogenic (1 of 4 stars; one submission).

Conditions:
Intellectual developmental disorder with autism and macrocephaly. Also called: Autism, susceptibility to, 18; CHD8-Related Neurodevelopmental Disorder with Overgrowth. Identifiers: Orphanet 642675, MedGen C3554373, MONDO:0014017, OMIM 615032.

Submission:

Geisinger Autism and Developmental Medicine Institute, Geisinger Health System
Classification: Pathogenic for Intellectual developmental disorder with autism and macrocephaly. Last evaluated: 2017-10-18. Review status: criteria provided, single submitter. Criteria: ACMG Guidelines, 2015. Collection method: provider interpretation, clinical testing. Allele origin: unknown. Affected: yes. Observed: 1 variant allele.
Comment: Pathogenic CHD8 variants, including deletions, have been identified in multiple individuals with autism spectrum disorder with or without intellectual disability, macrocephaly, facial dysmorphism, and psychiatric disorders (Bernier et al., 2014; Prontera et al., 2014; Merner et al., 2016). Inheritance of this variant is unknown, as a paternal sample is unavailable. The c.117_133del17 variant has not been reported previously in population databases or in individuals with CHD8-Related Disorders, to our knowledge. The c.117_133del17 variant causes a frameshift and is predicted to cause loss of normal protein function either through protein truncation or nonsense-mediated mRNA decay.

Literature cited by the submitters: PubMed 22495309; PubMed 23160955; PubMed 24998929; PubMed 26789910.

NM_001170629.2(CHD8):c.117_133del (p.Pro40fs)

Gene: CHD8 (chromodomain helicase DNA binding protein 8; minus strand). Cytogenetic location: 14q11.2.
Variant type: Deletion.
Coding change: c.117_133del on transcript NM_001170629.2 (MANE Select); coding-DNA positions 117 to 133, 17 bases deleted (GCCAAGCTCTCTGGACT).
Protein change: p.Pro40fs; shifts the reading frame from proline 40.
Molecular consequence: frameshift variant. On other transcripts: intron variant (1).
Genome position (GRCh38, 1-based): chr14:21,431,511-21,431,527, AGTCCAGAGAGCTTGGC deleted on the plus strand (GCCAAGCTCTCTGGACT on the coding strand, the reverse complement: CHD8 is on the minus strand); deleting any 17 consecutive bases within chr14:21,431,511-21,431,533 gives the same sequence; the c. name uses the placement nearest the transcript's 3' end. VCF-style (leftmost placement, unchanged base first): chr14-21431510-GAGTCCAGAGAGCTTGGC-G. GRCh37 (hg19) VCF-style: chr14-21899669-GAGTCCAGAGAGCTTGGC-G.
Other names: c.117_133del17 (NM_001170629.1); c.6+284_6+300del (NM_020920.4); short protein forms P40fs.
Identifiers: ClinVar variation 560292 (VCV000560292.3), dbSNP rs1566446604, ClinGen allele CA658823749.